The following is an entry in ClinVar:

ClinVar aggregate classification (germline): Uncertain significance (1 of 4 stars; one submission).

Conditions:
Glycogen storage disease, type II (IOPD). Also called: CARDIOMEGALIA GLYCOGENICA DIFFUSA; Glycogen storage disease type 2; Acid maltase deficiency disease; Aglucosidase alfa; Deficiency of alpha-glucosidase; Deficiency of lysosomal alpha-glucosidase. Identifiers: Orphanet 365, MedGen C0017921, MONDO:0009290, OMIM 232300.

gnomAD v4.1: 1 of 1,613,642 alleles (0.000062%); highest among the groups gnomAD compares: Non-Finnish European, 0.000085%; no homozygotes.

Submission:

Labcorp Genetics (formerly Invitae), Labcorp
Classification: Uncertain significance for Glycogen storage disease, type II. Last evaluated: 2025-08-18. Review status: criteria provided, single submitter. Criteria: Invitae Variant Classification Sherloc (09022015). Collection method: clinical testing. Allele origin: germline.
Comment: This sequence change replaces leucine, which is neutral and non-polar, with arginine, which is basic and polar, at codon 328 of the GAA protein (p.Leu328Arg). This variant is not present in population databases (gnomAD no frequency). This variant has not been reported in the literature in individuals affected with GAA-related conditions. ClinVar contains an entry for this variant (Variation ID: 3634753). Invitae Evidence Modeling of protein sequence and biophysical properties (such as structural, functional, and spatial information, amino acid conservation, physicochemical variation, residue mobility, and thermodynamic stability) indicates that this missense variant is expected to disrupt GAA protein function with a positive predictive value of 95%. In summary, the available evidence is currently insufficient to determine the role of this variant in disease. Therefore, it has been classified as a Variant of Uncertain Significance.

NM_000152.5(GAA):c.983T>G (p.Leu328Arg)

Gene: GAA (alpha glucosidase; plus strand). Cytogenetic location: 17q25.3.
Variant type: single nucleotide variant.
Coding change: c.983T>G on transcript NM_000152.5 (MANE Select); coding-DNA position 983, T replaced by G.
Protein change: p.Leu328Arg; replaces leucine 328 with arginine.
Molecular consequence: missense variant.
Genome position (GRCh38, 1-based): chr17:80,108,317, T>G. VCF-style: chr17-80108317-T-G. GRCh37 (hg19) VCF-style: chr17-78082116-T-G.
Other names: c.983T>G, p.Leu328Arg (NM_001079803.3, NM_001079804.3, NM_001406741.1 and 1 more transcripts); short protein forms L328R.
Identifiers: ClinVar variation 3634753 (VCV003634753.2).
Genomic context (GRCh38, chr17:80,108,317, plus strand): 5'-TGTCCCCCAACCCCAGAGCTGCTTCCCTTCCAGATGTGGTCCTGCAGCCGAGCCCTGCCC[T>G]TAGCTGGAGGTCGACAGGTGGGATCCTGGATGTCTACATCTTCCTGGGCCCAGAGCCCAA-3'
Protein context (NP_000143.2, residues 318-338): MDVVLQPSPA[Leu328Arg]SWRSTGGILD